The following is an entry in ClinVar:

NM_000054.7(AVPR2):c.856C>T (p.Pro286Ser)

Gene: AVPR2 (arginine vasopressin receptor 2; plus strand). Cytogenetic location: Xq28.
Variant type: single nucleotide variant.
Coding change: c.856C>T on transcript NM_000054.7 (MANE Select); coding-DNA position 856, C replaced by T.
Protein change: p.Pro286Ser; replaces proline 286 with serine.
Molecular consequence: missense variant. On other transcripts: non-coding transcript variant (1).
Genome position (GRCh38, 1-based): chrX:153,906,362, C>T. VCF-style: chrX-153906362-C-T. GRCh37 (hg19) VCF-style: chrX-153171816-C-T.
Other names: c.856C>T, p.Pro286Ser (NM_001146151.3); short protein forms P286S.
Identifiers: ClinVar variation 4710919 (VCV004710919.1).

ClinVar aggregate classification (germline): Pathogenic (1 of 4 stars; one submission).

Submission:

Labcorp Genetics (formerly Invitae), Labcorp
Classification: Pathogenic. Last evaluated: 2025-09-03. Review status: criteria provided, single submitter. Criteria: Invitae Variant Classification Sherloc (09022015). Collection method: clinical testing. Allele origin: germline.
Comment: This sequence change replaces proline, which is neutral and non-polar, with serine, which is neutral and polar, at codon 286 of the AVPR2 protein (p.Pro286Ser). This variant is not present in population databases (gnomAD no frequency). This missense change has been observed in individuals with nephrogenic diabetes insipidus (PMID: 10820168, 30703232; internal data). Invitae Evidence Modeling of protein sequence and biophysical properties (such as structural, functional, and spatial information, amino acid conservation, physicochemical variation, residue mobility, and thermodynamic stability) indicates that this missense variant is expected to disrupt AVPR2 protein function with a positive predictive value of 80%. This variant disrupts the p.Pro286 amino acid residue in AVPR2. Other variant(s) that disrupt this residue have been observed in individuals with AVPR2-related conditions (PMID: 1303257, 25937802), which suggests that this may be a clinically significant amino acid residue. For these reasons, this variant has been classified as Pathogenic.

Literature cited by the submitters: PubMed 10820168; PubMed 30703232; PubMed 1303257; PubMed 25937802.